The following is an entry in ClinVar:

NM_173602.3(DIP2B):c.2846A>C (p.Gln949Pro)

Gene: DIP2B (disco interacting protein 2 homolog B; plus strand). Cytogenetic location: 12q13.12.
Variant type: single nucleotide variant.
Coding change: c.2846A>C on transcript NM_173602.3 (MANE Select); coding-DNA position 2846, A replaced by C.
Protein change: p.Gln949Pro; replaces glutamine 949 with proline.
Molecular consequence: missense variant.
Genome position (GRCh38, 1-based): chr12:50,714,591, A>C. VCF-style: chr12-50714591-A-C. GRCh37 (hg19) VCF-style: chr12-51108374-A-C.
Other names: short protein forms Q949P.
Identifiers: ClinVar variation 3055217 (VCV003055217.2), dbSNP rs149892884, ClinGen allele CA6564914.

ClinVar aggregate classification (germline): Likely benign (0 of 4 stars; one submission).

Conditions:
DIP2B-related disorder. Also called: DIP2B-related condition.

Allele frequency attached by ClinVar (database versions not stated): gnomAD exomes 0.00002; ExAC 0.00005; ESP Exome Variant Server 0.00023; gnomAD 0.00024; TOPMed 0.00026.
gnomAD v4.1: 61 of 1,613,900 alleles (0.0038%); highest among the groups gnomAD compares: African/African-American, 0.072%; no homozygotes.

Submission:

PreventionGenetics, part of Exact Sciences
Classification: Likely benign for DIP2B-related condition. Last evaluated: 2022-08-29. Review status: no assertion criteria provided. Collection method: clinical testing. Allele origin: germline.
Comment: This variant is classified as likely benign based on ACMG/AMP sequence variant interpretation guidelines (Richards et al. 2015 PMID: 25741868, with internal and published modifications).